The following is an entry in ClinVar:

NM_001365276.2(TNXB):c.3758C>T (p.Pro1253Leu)

Gene: TNXB (tenascin XB; minus strand). Cytogenetic location: 6p21.33.
Variant type: single nucleotide variant.
Coding change: c.3758C>T on transcript NM_001365276.2 (MANE Select); coding-DNA position 3758, C replaced by T.
Protein change: p.Pro1253Leu; replaces proline 1253 with leucine.
Molecular consequence: missense variant.
Genome position (GRCh38, 1-based): chr6:32,081,652, G>A on the plus strand (C>T on the coding strand, the complement: TNXB is on the minus strand). VCF-style: chr6-32081652-G-A. GRCh37 (hg19) VCF-style: chr6-32049429-G-A.
Other names: c.3758C>T, p.Pro1253Leu (NM_019105.8); short protein forms P1253L.
Identifiers: ClinVar variation 1179312 (VCV001179312.4), dbSNP rs188789382, ClinGen allele CA3735115.

ClinVar aggregate classification (germline): Uncertain significance. Review status: criteria provided, multiple submitters, no conflicts (2 of 4 stars). 2 submissions from 2 submitters: Uncertain significance (2). Last evaluated 2024-01-11.

Conditions:
Cardiovascular phenotype. Identifiers: MedGen CN230736.

Allele frequency attached by ClinVar (database versions not stated): 1000 Genomes Project 30x 0.00016.
gnomAD v4.1: 60 of 1,589,254 alleles (0.0038%); highest among the groups gnomAD compares: Non-Finnish European, 0.0051%; no homozygotes.

Submissions (2):

Ambry Genetics
Classification: Uncertain significance for Cardiovascular phenotype. Last evaluated: 2024-01-11. Review status: criteria provided, single submitter. Criteria: Ambry Variant Classification Scheme 2023. Collection method: clinical testing. Allele origin: germline.
Comment: The p.P1253L variant (also known as c.3758C>T), located in coding exon 9 of the TNXB gene, results from a C to T substitution at nucleotide position 3758. The proline at codon 1253 is replaced by leucine, an amino acid with similar properties. This amino acid position is conserved. In addition, this alteration is predicted to be tolerated by in silico analysis. Since supporting evidence is limited at this time, the clinical significance of this alteration remains unclear.

GeneDx
Classification: Uncertain significance. Last evaluated: 2019-10-24. Review status: criteria provided, single submitter. Criteria: GeneDx Variant Classification Process June 2021. Collection method: clinical testing. Allele origin: germline. Affected: yes.
Comment: In silico analysis, which includes protein predictors and evolutionary conservation, supports a deleterious effect; Has not been previously published as pathogenic or benign to our knowledge